The following is an entry in ClinVar:

NM_000642.3(AGL):c.2522C>T (p.Ser841Phe)

Gene: AGL (amylo-alpha-1,6-glucosidase and 4-alpha-glucanotransferase; plus strand). Cytogenetic location: 1p21.2.
Variant type: single nucleotide variant.
Coding change: c.2522C>T on transcript NM_000642.3 (MANE Select); coding-DNA position 2522, C replaced by T.
Protein change: p.Ser841Phe; replaces serine 841 with phenylalanine.
Molecular consequence: missense variant.
Genome position (GRCh38, 1-based): chr1:99,884,427, C>T. VCF-style: chr1-99884427-C-T. GRCh37 (hg19) VCF-style: chr1-100349983-C-T.
Other names: p.Ser841Phe; c.2522C>T, p.Ser841Phe (NM_000028.3, NM_000643.3, NM_000644.3 and 2 more transcripts); c.2474C>T, p.Ser825Phe (NM_000646.3); c.2321C>T, p.Ser774Phe (NM_001425327.1); c.2318C>T, p.Ser773Phe (NM_001425328.1, NM_001425329.1); c.2144C>T, p.Ser715Phe (NM_001425332.1); short protein forms S841F, S825F, S715F, S773F, S774F.
Identifiers: ClinVar variation 256727 (VCV000256727.68), dbSNP rs150441555, ClinGen allele CA966807.
Genomic context (GRCh38, chr1:99,884,427, plus strand): 5'-CTGGAGTTGCCACAAAAGGGCCCAATGAATATATTCAAGAAATAGAATTTGAAAACTTGT[C>T]TCCAGGAAGTGTTATTATATTCAGGTATGTTAATTGAGCTCAAACTGTTGACTTTACTTA-3'
Protein context (NP_000633.2, residues 831-851): YIQEIEFENL[Ser841Phe]PGSVIIFRVS

ClinVar aggregate classification (germline): Benign/Likely benign. Review status: criteria provided, multiple submitters, no conflicts (2 of 4 stars). 9 submissions from 9 submitters: Benign (2); Likely benign (5). 2 of the submissions do not count toward it. Last evaluated 2026-09-01.

Conditions:
AGL-related disorder. Also called: AGL-related condition.
Inborn genetic diseases. Identifiers: MedGen C0950123, MeSH D030342.
Glycogen storage disease type III (GSD3). Also called: FORBES DISEASE; Cori disease. Identifiers: Orphanet 366, MedGen C0017922, MONDO:0009291, OMIM 232400.

Allele frequency attached by ClinVar (database versions not stated): 1000 Genomes Project 30x 0.00187; TOPMed 0.00192; 1000 Genomes Project 0.00200; gnomAD 0.00209 and 0.00223; ESP Exome Variant Server 0.00247.
gnomAD v4.1: 3,284 of 1,612,178 alleles (0.2%); highest among the groups gnomAD compares: Middle Eastern, 1.9%; 12 homozygotes.

Submissions (9):

CeGaT Center for Human Genetics Tuebingen
Classification: Likely benign. Last evaluated: 2026-09-01. Review status: criteria provided, single submitter. Criteria: CeGaT Center For Human Genetics Tuebingen Variant Classification Criteria Version 2. Collection method: clinical testing. Allele origin: germline. Affected: yes. Observed: 16 variant alleles.
Comment: AGL: BP4, BS2

Labcorp Genetics (formerly Invitae), Labcorp
Classification: Benign for Glycogen storage disease type III. Last evaluated: 2026-02-02. Review status: criteria provided, single submitter. Criteria: Invitae Variant Classification Sherloc (09022015). Collection method: clinical testing. Allele origin: germline.

ARUP Laboratories, Molecular Genetics and Genomics, ARUP Laboratories
Classification: Likely benign. Last evaluated: 2025-07-31. Review status: criteria provided, single submitter. Criteria: ARUP Molecular Germline Variant Investigation Process 2024. Collection method: clinical testing. Allele origin: germline.

Mayo Clinic Laboratories, Mayo Clinic
Classification: Likely benign. Last evaluated: 2025-06-09. Review status: criteria provided, single submitter. Criteria: ACMG Guidelines, 2015. Collection method: clinical testing. Allele origin: germline. Observed: 18 variant alleles.
Comment: BS1, BP4

Ambry Genetics
Classification: Likely benign for Inborn genetic diseases. Last evaluated: 2022-01-08. Review status: criteria provided, single submitter. Criteria: Ambry Variant Classification Scheme 2023. Collection method: clinical testing. Allele origin: germline.

Genome-Nilou Lab
Classification: Likely benign for Glycogen storage disease type III. Last evaluated: 2021-07-15. Review status: criteria provided, single submitter. Criteria: ACMG Guidelines, 2015. Collection method: clinical testing. Allele origin: germline. Affected: no.

GeneDx
Classification: Benign. Last evaluated: 2018-03-02. Review status: criteria provided, single submitter. Criteria: GeneDx Variant Classification (06012015). Collection method: clinical testing. Allele origin: germline. Affected: yes.
Comment: This variant is considered likely benign or benign based on one or more of the following criteria: it is a conservative change, it occurs at a poorly conserved position in the protein, it is predicted to be benign by multiple in silico algorithms, and/or has population frequency not consistent with disease.

Natera, Inc.
Classification: Benign for Glycogen storage disease type III. Last evaluated: 2020-01-06. Review status: no assertion criteria provided. Collection method: clinical testing. Allele origin: germline. Not counted in ClinVar's aggregate classification.

PreventionGenetics, part of Exact Sciences
Classification: Benign for AGL-related condition. Last evaluated: 2019-08-24. Review status: no assertion criteria provided. Collection method: clinical testing. Allele origin: germline. Not counted in ClinVar's aggregate classification.
Comment: This variant is classified as benign based on ACMG/AMP sequence variant interpretation guidelines (Richards et al. 2015 PMID: 25741868, with internal and published modifications).